The following is an entry in ClinVar:

NM_004360.5(CDH1):c.1102A>T (p.Thr368Ser)

Gene: CDH1 (cadherin 1; plus strand). Cytogenetic location: 16q22.1.
Variant type: single nucleotide variant.
Coding change: c.1102A>T on transcript NM_004360.5 (MANE Select); coding-DNA position 1102, A replaced by T.
Protein change: p.Thr368Ser; replaces threonine 368 with serine.
Molecular consequence: missense variant. On other transcripts: 5 prime UTR variant (2).
Genome position (GRCh38, 1-based): chr16:68,812,228, A>T. VCF-style: chr16-68812228-A-T. GRCh37 (hg19) VCF-style: chr16-68846131-A-T.
Other names: c.1102A>T, p.Thr368Ser (NM_001317184.2); c.-514A>T (NM_001317185.2); c.-718A>T (NM_001317186.2); short protein forms T368S.
Identifiers: ClinVar variation 630462 (VCV000630462.5), dbSNP rs1555515749, ClinGen allele CA396460139.

ClinVar aggregate classification (germline): Uncertain significance (1 of 4 stars; one submission).

Conditions:
Hereditary cancer-predisposing syndrome. Also called: Tumor predisposition; Neoplastic Syndromes, Hereditary; Hereditary neoplastic syndrome; Hereditary Cancer Syndrome. Identifiers: Orphanet 140162, MedGen C0027672, MeSH D009386, MONDO:0015356.

Submission:

Color Diagnostics, LLC DBA Color Health
Classification: Uncertain significance for Hereditary cancer-predisposing syndrome. Last evaluated: 2023-12-05. Review status: criteria provided, single submitter. Criteria: ACMG Guidelines, 2015. Collection method: clinical testing. Allele origin: germline.
Comment: This missense variant replaces threonine with serine at codon 368 of the CDH1 protein. To our knowledge, functional studies have not been reported for this variant. This variant has not been reported in individuals affected with CDH1-related disorders in the literature. This variant has not been identified in the general population by the Genome Aggregation Database (gnomAD). The available evidence is insufficient to determine the role of this variant in disease conclusively. Therefore, this variant is classified as a Variant of Uncertain Significance.